The following is an entry in ClinVar:

ClinVar aggregate classification (germline): Pathogenic (1 of 4 stars; one submission).

Conditions:
Hereditary cancer-predisposing syndrome. Also called: Tumor predisposition; Hereditary Cancer Syndrome; Hereditary neoplastic syndrome; Neoplastic Syndromes, Hereditary. Identifiers: Orphanet 140162, MedGen C0027672, MeSH D009386, MONDO:0015356.

Submission:

Ambry Genetics
Classification: Pathogenic for Hereditary cancer-predisposing syndrome. Last evaluated: 2023-08-04. Review status: criteria provided, single submitter. Criteria: Ambry Variant Classification Scheme 2023. Collection method: clinical testing. Allele origin: germline.
Comment: The p.W22* pathogenic mutation (also known as c.66G>A), located in coding exon 2 of the SDHA gene, results from a G to A substitution at nucleotide position 66. This changes the amino acid from a tryptophan to a stop codon within coding exon 2. This variant is considered to be rare based on population cohorts in the Genome Aggregation Database (gnomAD). This alteration is expected to result in loss of function by premature protein truncation or nonsense-mediated mRNA decay. As such, this alteration is interpreted as a disease-causing mutation.

NM_004168.4(SDHA):c.66G>A (p.Trp22Ter)

Gene: SDHA (succinate dehydrogenase complex flavoprotein subunit A; plus strand). Cytogenetic location: 5p15.33.
Variant type: single nucleotide variant.
Coding change: c.66G>A on transcript NM_004168.4 (MANE Select); coding-DNA position 66, G replaced by A.
Protein change: p.Trp22Ter; replaces tryptophan 22 with a stop codon.
Molecular consequence: nonsense.
Genome position (GRCh38, 1-based): chr5:223,484, G>A. VCF-style: chr5-223484-G-A. GRCh37 (hg19) VCF-style: chr5-223599-G-A.
Other names: c.66G>A, p.Trp22Ter (NM_001294332.2, NM_001330758.2); short protein forms W22*.
Identifiers: ClinVar variation 2587077 (VCV002587077.2), dbSNP rs2126539387, ClinGen allele CA359008064.